The following is an entry in ClinVar:

ClinVar aggregate classification (germline): Pathogenic/Likely pathogenic. Review status: criteria provided, multiple submitters, no conflicts (2 of 4 stars). 5 submissions from 5 submitters: Pathogenic (2); Likely pathogenic (3). Last evaluated 2025-02-16.

Conditions:
Hypotonia, infantile, with psychomotor retardation and characteristic facies 3 (IHPRF3). Also called: TBCK-Related Neurodevelopmental Disorder. Identifiers: Orphanet 488632, MedGen C5567480, MONDO:0014823, OMIM 616900.

Allele frequency attached by ClinVar (database versions not stated): gnomAD exomes below 0.00001; TOPMed below 0.00001.
gnomAD v4.1: 7 of 1,577,896 alleles (0.00044%); highest among the groups gnomAD compares: Non-Finnish European, 0.00052%; no homozygotes.

Submissions (5):

Laboratory of Genetics, Children's Clinical University Hospital Latvia
Classification: Likely pathogenic. Last evaluated: 2025-02-16. Review status: criteria provided, single submitter. Criteria: ACMG Guidelines, 2015. Collection method: clinical testing. Allele origin: germline. Affected: yes.

Broad Center for Mendelian Genomics, Broad Institute of MIT and Harvard
Classification: Likely pathogenic for Hypotonia, infantile, with psychomotor retardation and characteristic facies 3. Last evaluated: 2025-01-13. Review status: criteria provided, single submitter. Criteria: ACMG Guidelines, 2015. Collection method: curation. Allele origin: germline. Inheritance: Autosomal recessive inheritance.
Comment: The p.Gln591Ter variant in TBCK has not been previously reported in the literature in individuals with TBCK-related intellectual disability syndrome, but has been identified in 0.0005% (6/1152926) of European (non-Finnish) chromosomes by the Genome Aggregation Database (gnomAD; dbSNP ID: rs1057518332). Although this variant has been seen in the general population in a heterozygous state, its frequency is low enough to be consistent with a recessive carrier frequency. This variant has also been reported in ClinVar (Variation ID: 373291) and has been interpreted as pathogenic/likely pathogenic by Invitae, Molecular Diagnostics Laboratory (M Health Fairview: University of Minnesota), and GeneDx. This nonsense variant leads to a premature termination codon at position 591, which is predicted to lead to a truncated or absent protein. Loss of function of the TBCK gene is an established disease mechanism in autosomal recessive TBCK-related intellectual disability syndrome. In summary, although additional studies are required to fully establish its clinical significance, this variant is likely pathogenic for autosomal recessive TBCK-related intellectual disability syndrome. ACMG/AMP Criteria applied: PVS1, PM2_supporting (Richards 2015).

Labcorp Genetics (formerly Invitae), Labcorp
Classification: Pathogenic. Last evaluated: 2023-10-04. Review status: criteria provided, single submitter. Criteria: Invitae Variant Classification Sherloc (09022015). Collection method: clinical testing. Allele origin: germline.
Comment: This sequence change creates a premature translational stop signal (p.Gln591*) in the TBCK gene. It is expected to result in an absent or disrupted protein product. Loss-of-function variants in TBCK are known to be pathogenic (PMID: 27040692, 30103036). This variant is present in population databases (no rsID available, gnomAD 0.0009%). This variant has not been reported in the literature in individuals affected with TBCK-related conditions. ClinVar contains an entry for this variant (Variation ID: 373291). For these reasons, this variant has been classified as Pathogenic.

Molecular Diagnostics Laboratory, M Health Fairview: University of Minnesota
Classification: Pathogenic for Hypotonia, infantile, with psychomotor retardation and characteristic facies 3. Last evaluated: 2018-03-27. Review status: criteria provided, single submitter. Criteria: ACMG Guidelines, 2015. Collection method: clinical testing. Allele origin: germline. Affected: yes. Observed: 1 variant allele.

GeneDx
Classification: Likely pathogenic. Last evaluated: 2016-11-30. Review status: criteria provided, single submitter. Criteria: GeneDx Variant Classification (06012015). Collection method: clinical testing. Allele origin: germline. Affected: yes.
Comment: The Q591X variant in the TBCK gene has not been reported previously as a pathogenic variant nor as a benign variant, to our knowledge. This variant is predicted to cause loss of normal protein function either through protein truncation or nonsense-mediated mRNA decay. The Q591X variant was not observed in approximately 6,500 individuals of European and African American ancestry in the NHLBI Exome Sequencing Project, indicating it is not a common benign variant in these populations. We interpret Q591X as a likely pathogenic variant.

Literature cited by the submitters: PubMed 27040692 (cited by Labcorp Genetics (formerly Invitae), Labcorp and Molecular Diagnostics Laboratory, M Health Fairview: University of Minnesota); PubMed 30103036 (cited by Labcorp Genetics (formerly Invitae), Labcorp); PubMed 27040691 (cited by Molecular Diagnostics Laboratory, M Health Fairview: University of Minnesota); PubMed 23977024 (cited by Molecular Diagnostics Laboratory, M Health Fairview: University of Minnesota).

NM_001163435.3(TBCK):c.1771C>T (p.Gln591Ter)

Gene: TBCK (TBC1 domain containing kinase; minus strand). Cytogenetic location: 4q24.
Variant type: single nucleotide variant.
Coding change: c.1771C>T on transcript NM_001163435.3 (MANE Select); coding-DNA position 1771, C replaced by T.
Protein change: p.Gln591Ter; replaces glutamine 591 with a stop codon.
Molecular consequence: nonsense.
Genome position (GRCh38, 1-based): chr4:106,230,366, G>A on the plus strand (C>T on the coding strand, the complement: TBCK is on the minus strand). VCF-style: chr4-106230366-G-A. GRCh37 (hg19) VCF-style: chr4-107151523-G-A.
Other names: NM_001163435.3(TBCK):c.1771C>T; p.Gln591Ter; c.1771C>T, p.Gln591Ter (NM_001163436.4); c.1654C>T, p.Gln552Ter (NM_001163437.3); c.1255C>T, p.Gln419Ter (NM_001290768.2); c.1582C>T, p.Gln528Ter (NM_033115.5); short protein forms Q591*, Q528*, Q552*, Q419*.
Identifiers: ClinVar variation 373291 (VCV000373291.8), dbSNP rs1057518332, ClinGen allele CA16042544.